The following is an entry in ClinVar:

NM_001008212.2(OPTN):c.875C>T (p.Pro292Leu)

Gene: OPTN (optineurin; plus strand). Cytogenetic location: 10p13.
Variant type: single nucleotide variant.
Coding change: c.875C>T on transcript NM_001008212.2 (MANE Select); coding-DNA position 875, C replaced by T.
Protein change: p.Pro292Leu; replaces proline 292 with leucine.
Molecular consequence: missense variant.
Genome position (GRCh38, 1-based): chr10:13,122,480, C>T. VCF-style: chr10-13122480-C-T. GRCh37 (hg19) VCF-style: chr10-13164480-C-T.
Other names: c.875C>T, p.Pro292Leu (NM_001008211.1, NM_001008213.1, NM_021980.4); short protein forms P292L.
Identifiers: ClinVar variation 2407113 (VCV002407113.4), dbSNP rs762237396, ClinGen allele CA5410770.

ClinVar aggregate classification (germline): Uncertain significance. Review status: criteria provided, multiple submitters, no conflicts (2 of 4 stars). 2 submissions from 2 submitters: Uncertain significance (2). Last evaluated 2025-03-18.

Conditions:
Inborn genetic diseases. Identifiers: MedGen C0950123, MeSH D030342.
Primary open angle glaucoma (POAG). Also called: OPTN-related open angle glaucoma. Identifiers: MedGen C0339573, MONDO:0100553, OMIM 137760.
Amyotrophic lateral sclerosis type 12 (ALS12). Also called: AMYOTROPHIC LATERAL SCLEROSIS 12 WITH OR WITHOUT FRONTOTEMPORAL DEMENTIA. Identifiers: Orphanet 803, MedGen C3150692, MONDO:0013264, OMIM 613435.
Glaucoma 1, open angle, E. Identifiers: MedGen C1842026, MONDO:0007665.

Allele frequency attached by ClinVar (database versions not stated): gnomAD 0.00001; ExAC 0.00002; TOPMed 0.00002.
gnomAD v4.1: 73 of 1,610,950 alleles (0.0045%); highest among the groups gnomAD compares: Non-Finnish European, 0.0059%; no homozygotes.

Submissions (2):

Labcorp Genetics (formerly Invitae), Labcorp
Classification: Uncertain significance for Primary open angle glaucoma; Glaucoma 1, open angle, E; Amyotrophic lateral sclerosis type 12. Last evaluated: 2025-03-18. Review status: criteria provided, single submitter. Criteria: Invitae Variant Classification Sherloc (09022015). Collection method: clinical testing. Allele origin: germline.
Comment: This sequence change replaces proline, which is neutral and non-polar, with leucine, which is neutral and non-polar, at codon 292 of the OPTN protein (p.Pro292Leu). This variant is present in population databases (rs762237396, gnomAD 0.003%). This variant has not been reported in the literature in individuals affected with OPTN-related conditions. ClinVar contains an entry for this variant (Variation ID: 2407113). Invitae Evidence Modeling of protein sequence and biophysical properties (such as structural, functional, and spatial information, amino acid conservation, physicochemical variation, residue mobility, and thermodynamic stability) indicates that this missense variant is not expected to disrupt OPTN protein function with a negative predictive value of 80%. In summary, the available evidence is currently insufficient to determine the role of this variant in disease. Therefore, it has been classified as a Variant of Uncertain Significance.

Ambry Genetics
Classification: Uncertain significance for Inborn genetic diseases. Last evaluated: 2021-07-21. Review status: criteria provided, single submitter. Criteria: Ambry Variant Classification Scheme 2023. Collection method: clinical testing. Allele origin: germline.